The following is an entry in ClinVar:

ClinVar aggregate classification (germline): Uncertain significance (1 of 4 stars; one submission).

Conditions:
Hereditary cancer-predisposing syndrome. Also called: Neoplastic Syndromes, Hereditary; Tumor predisposition; Hereditary Cancer Syndrome; Hereditary neoplastic syndrome. Identifiers: Orphanet 140162, MedGen C0027672, MeSH D009386, MONDO:0015356.

Submission:

Ambry Genetics
Classification: Uncertain significance for Hereditary cancer-predisposing syndrome. Last evaluated: 2025-10-22. Review status: criteria provided, single submitter. Criteria: Ambry Variant Classification Scheme 2023. Collection method: clinical testing. Allele origin: germline.
Comment: The p.N310H variant (also known as c.928A>C), located in coding exon 7 of the RAD50 gene, results from an A to C substitution at nucleotide position 928. The asparagine at codon 310 is replaced by histidine, an amino acid with similar properties. This amino acid position is conserved. In addition, this alteration is predicted to be tolerated by in silico analysis. Based on the available evidence, the clinical significance of this variant remains unclear.

NM_005732.4(RAD50):c.928A>C (p.Asn310His)

Gene: RAD50 (RAD50 double strand break repair protein; plus strand). Cytogenetic location: 5q31.1.
Variant type: single nucleotide variant.
Coding change: c.928A>C on transcript NM_005732.4 (MANE Select); coding-DNA position 928, A replaced by C.
Protein change: p.Asn310His; replaces asparagine 310 with histidine.
Molecular consequence: missense variant.
Genome position (GRCh38, 1-based): chr5:132,587,966, A>C. VCF-style: chr5-132587966-A-C. GRCh37 (hg19) VCF-style: chr5-131923658-A-C.
Other names: short protein forms N310H.
Identifiers: ClinVar variation 4677933 (VCV004677933.1).
Genomic context (GRCh38, chr5:132,587,966, plus strand): 5'-TATTTTGGTGTTACACAGGTTTTTCAAGGGACTGATGAGCAACTAAATGACTTATATCAC[A>C]ATCACCAGAGAACAGTAAGGGAGAAAGAAAGGAAATTGGTAGACTGTCATCGTGAACTGG-3'
Protein context (NP_005723.2, residues 300-320): TDEQLNDLYH[Asn310His]HQRTVREKER